The following is an entry in ClinVar:

NM_004104.5(FASN):c.5177C>T (p.Thr1726Ile)

Gene: FASN (fatty acid synthase; minus strand). Cytogenetic location: 17q25.3.
Variant type: single nucleotide variant.
Coding change: c.5177C>T on transcript NM_004104.5 (MANE Select); coding-DNA position 5177, C replaced by T.
Protein change: p.Thr1726Ile; replaces threonine 1726 with isoleucine.
Molecular consequence: missense variant.
Genome position (GRCh38, 1-based): chr17:82,083,813, G>A on the plus strand (C>T on the coding strand, the complement: FASN is on the minus strand). VCF-style: chr17-82083813-G-A. GRCh37 (hg19) VCF-style: chr17-80041689-G-A.
Other names: short protein forms T1726I.
Identifiers: ClinVar variation 579476 (VCV000579476.8), dbSNP rs1206712630, ClinGen allele CA401540548.

ClinVar aggregate classification (germline): Uncertain significance (1 of 4 stars; one submission).

Conditions:
Epileptic encephalopathy. Identifiers: MedGen C0543888, HP:0200134.

Allele frequency attached by ClinVar (database versions not stated): gnomAD exomes below 0.00001.
gnomAD v4.1: 2 of 1,608,814 alleles (0.00012%); highest among the groups gnomAD compares: African/African-American, 0.0013%; no homozygotes.

Submission:

Labcorp Genetics (formerly Invitae), Labcorp
Classification: Uncertain significance for Epileptic encephalopathy. Last evaluated: 2018-05-30. Review status: criteria provided, single submitter. Criteria: Invitae Variant Classification Sherloc (09022015). Collection method: clinical testing. Allele origin: germline.
Comment: This sequence change replaces threonine with isoleucine at codon 1726 of the FASN protein (p.Thr1726Ile). The threonine residue is highly conserved and there is a moderate physicochemical difference between threonine and isoleucine. This variant is not present in population databases (ExAC no frequency). This variant has not been reported in the literature in individuals with FASN-related disease. Algorithms developed to predict the effect of missense changes on protein structure and function are either unavailable or do not agree on the potential impact of this missense change (SIFT: "Deleterious"; PolyPhen-2: "Possibly Damaging"; Align-GVGD: "Class C0"). In summary, the available evidence is currently insufficient to determine the role of this variant in disease. Therefore, it has been classified as a Variant of Uncertain Significance.